The following is an entry in ClinVar:

ClinVar aggregate classification (germline): Uncertain significance (1 of 4 stars; one submission).

Conditions:
Deficiency of UDPglucose-hexose-1-phosphate uridylyltransferase. Also called: GALACTOSEMIA I; GALT deficiency; Galactosemia, classic; GALACTOSE-1-PHOSPHATE URIDYLYLTRANSFERASE DEFICIENCY; Transferase Deficiency Galactosemia. Identifiers: Orphanet 352, Orphanet 79239, MedGen C0268151, MONDO:0009258, OMIM 230400.

Submission:

Labcorp Genetics (formerly Invitae), Labcorp
Classification: Uncertain significance for Deficiency of UDPglucose-hexose-1-phosphate uridylyltransferase. Last evaluated: 2020-09-30. Review status: criteria provided, single submitter. Criteria: Invitae Variant Classification Sherloc (09022015). Collection method: clinical testing. Allele origin: germline.
Comment: This sequence change falls in intron 2 of the GALT gene. It does not directly change the encoded amino acid sequence of the GALT protein. This variant is not present in population databases (ExAC no frequency). This variant has not been reported in the literature in individuals with GALT-related conditions. Nucleotide substitutions within the consensus splice site are a relatively common cause of aberrant splicing (PMID: 17576681, 9536098). Algorithms developed to predict the effect of sequence changes on RNA splicing suggest that this variant may disrupt the consensus splice site, but this prediction has not been confirmed by published transcriptional studies. In summary, the available evidence is currently insufficient to determine the role of this variant in disease. Therefore, it has been classified as a Variant of Uncertain Significance.

Literature cited by the submitters: PubMed 17576681; PubMed 9536098.

NM_000155.4(GALT):c.253-6C>A

Gene: GALT (galactose-1-phosphate uridylyltransferase; plus strand). Cytogenetic location: 9p13.3.
Variant type: single nucleotide variant.
Coding change: c.253-6C>A on transcript NM_000155.4 (MANE Select); 6 bases into the intron before coding-DNA position 253, C replaced by A.
Molecular consequence: intron variant.
Genome position (GRCh38, 1-based): chr9:34,647,486, C>A. VCF-style: chr9-34647486-C-A. GRCh37 (hg19) VCF-style: chr9-34647483-C-A.
Other names: c.50+228C>A (NM_001258332.2).
Identifiers: ClinVar variation 1060008 (VCV001060008.9), dbSNP rs753450355, ClinGen allele CA2499219849.
Genomic context (GRCh38, chr9:34,647,486, plus strand): 5'-TTTGAAGCCCACCAGGTAACTGGTGGTATGGGGCAGTGAGTGCTTCTAGCCTATCCTTGT[C>A]GGTAGGTGAATCCCCAGTACGATAGCACCTTCCTGTTTGACAACGACTTCCCAGCTCTGC-3'